The following is an entry in ClinVar:

ClinVar aggregate classification (germline): Uncertain significance (1 of 4 stars; one submission).

Submission:

GeneDx
Classification: Uncertain significance. Last evaluated: 2023-10-11. Review status: criteria provided, single submitter. Criteria: GeneDx Variant Classification Process June 2021. Collection method: clinical testing. Allele origin: germline. Affected: yes.
Comment: Not observed at significant frequency in large population cohorts (gnomAD); In silico analysis supports that this missense variant does not alter protein structure/function; In silico analysis suggests this variant may impact gene splicing. In the absence of RNA/functional studies, the actual effect of this sequence change is unknown.; Has not been previously published as pathogenic or benign to our knowledge

NM_006445.4(PRPF8):c.1430A>G (p.Lys477Arg)

Gene: PRPF8 (pre-mRNA processing factor 8; minus strand). Cytogenetic location: 17p13.3.
Variant type: single nucleotide variant.
Coding change: c.1430A>G on transcript NM_006445.4 (MANE Select); coding-DNA position 1430, A replaced by G.
Protein change: p.Lys477Arg; replaces lysine 477 with arginine.
Molecular consequence: missense variant.
Genome position (GRCh38, 1-based): chr17:1,679,186, T>C on the plus strand (A>G on the coding strand, the complement: PRPF8 is on the minus strand). VCF-style: chr17-1679186-T-C. GRCh37 (hg19) VCF-style: chr17-1582480-T-C.
Other names: short protein forms K477R.
Identifiers: ClinVar variation 3365921 (VCV003365921.1).